The following is an entry in ClinVar:

ClinVar aggregate classification (germline): Conflicting classifications of pathogenicity. Review status: criteria provided, conflicting classifications (1 of 4 stars). 7 submissions from 7 submitters: Uncertain significance (6); Likely benign (1). Last evaluated 2024-04-13.

Conditions:
Autosomal recessive limb-girdle muscular dystrophy type 2J (LGMDR10). Also called: MUSCULAR DYSTROPHY, LIMB-GIRDLE, AUTOSOMAL RECESSIVE 10; Limb-girdle muscular dystrophy, type 2J. Identifiers: Orphanet 140922, MedGen C1837342, MONDO:0012127, OMIM 608807.
Dilated cardiomyopathy 1G (CMD1G). Identifiers: Orphanet 154, MedGen C1858763, MONDO:0011400, OMIM 604145.
Early-onset myopathy with fatal cardiomyopathy (CMYO5). Also called: CONGENITAL MYOPATHY 5 WITH CARDIOMYOPATHY; Salih Myopathy. Identifiers: Orphanet 289377, MedGen C2673677, MONDO:0012714, OMIM 611705. Disease mechanism: loss of function.
Myopathy, myofibrillar, 9, with early respiratory failure (MFM9). Also called: EDSTROM MYOPATHY; Hereditary myopathy with early respiratory failure; MYOPATHY, PROXIMAL, WITH EARLY RESPIRATORY MUSCLE INVOLVEMENT; Myopathy, distal, with early respiratory failure, autosomal dominant. Identifiers: Orphanet 178464, Orphanet 34521, MedGen C1863599, MONDO:0011362, OMIM 603689.
Tibial muscular dystrophy (TMD). Also called: Tibial muscular dystrophy, tardive; Udd Distal Myopathy – Tibial Muscular Dystrophy; UDD MYOPATHY. Identifiers: Orphanet 609, MedGen C1838244, MONDO:0010870, OMIM 600334.
Hypertrophic cardiomyopathy 9. Also called: Familial hypertrophic cardiomyopathy 9. Identifiers: MedGen C1861065, MONDO:0013412, OMIM 613765.
Cardiomyopathy (CMYO). Also called: Cardiomyopathies. Identifiers: Orphanet 167848, MedGen C0878544, MONDO:0004994, HP:0001638. Inheritance: Various modes of inheritance.

Allele frequency attached by ClinVar (database versions not stated): TOPMed 0.00006; gnomAD 0.00010; 1000 Genomes Project 30x 0.00016; 1000 Genomes Project 0.00020.
gnomAD v4.1: 212 of 1,614,106 alleles (0.013%); highest among the groups gnomAD compares: Non-Finnish European, 0.016%; 1 homozygote.

Submissions (7):

Blueprint Genetics
Classification: Likely benign. Last evaluated: 2024-04-13. Review status: criteria provided, single submitter. Criteria: ACMG Guidelines, 2015. Collection method: clinical testing. Allele origin: germline.

Revvity Omics, Revvity
Classification: Uncertain significance. Last evaluated: 2023-06-02. Review status: criteria provided, single submitter. Criteria: ACMG Guidelines, 2015. Collection method: clinical testing. Allele origin: germline.

Women's Health and Genetics/Laboratory Corporation of America, LabCorp
Classification: Uncertain significance. Last evaluated: 2022-03-21. Review status: criteria provided, single submitter. Criteria: LabCorp Variant Classification Summary - May 2015. Collection method: clinical testing. Allele origin: germline.
Comment: Variant summary: TTN c.5577G>T (p.Arg1859Ser) results in a non-conservative amino acid change located in the near Z-disk / I-band region of the encoded protein sequence. Three of five in-silico tools predict a benign effect of the variant on protein function. The variant allele was found at a frequency of 4.8e-05 in 251294 control chromosomes (gnomAD). This frequency is not higher than expected for a pathogenic variant in TTN causing Dilated Cardiomyopathy (4.8e-05 vs 0.00039), allowing no conclusion about variant significance. c.5577G>T has been reported in the literature in a juvenile with sudden cardiac death (Campuzano_2014). This report does not provide unequivocal conclusions about association of the variant with Dilated Cardiomyopathy. To our knowledge, no experimental evidence demonstrating an impact on protein function has been reported. Three ClinVar submitters (evaluation after 2014) cite the variant as uncertain significance. Based on the evidence outlined above, the variant was classified as uncertain significance.

Fulgent Genetics
Classification: Uncertain significance for Tibial muscular dystrophy; Myopathy, myofibrillar, 9, with early respiratory failure; Dilated cardiomyopathy 1G; Autosomal recessive limb-girdle muscular dystrophy type 2J; Early-onset myopathy with fatal cardiomyopathy; Hypertrophic cardiomyopathy 9. Last evaluated: 2021-08-17. Review status: criteria provided, single submitter. Criteria: ACMG Guidelines, 2015. Collection method: clinical testing. Allele origin: unknown.

Labcorp Genetics (formerly Invitae), Labcorp
Classification: Uncertain significance for Dilated cardiomyopathy 1G; Autosomal recessive limb-girdle muscular dystrophy type 2J. Last evaluated: 2017-10-03. Review status: criteria provided, single submitter. Criteria: Invitae Variant Classification Sherloc (09022015). Collection method: clinical testing. Allele origin: germline.

GeneDx
Classification: Uncertain significance. Last evaluated: 2016-11-15. Review status: criteria provided, single submitter. Criteria: GeneDx Variant Classification (06012015). Collection method: clinical testing. Allele origin: germline. Affected: yes.
Comment: Although the R1859S variant has been identified in two other individuals who were referred for cardiogenetic testing at GeneDx, they were also found to harbor other TTN variants. Furthermore, segregation data is absent for these individuals due to the lack of clinical information provided and insufficient participation by informative family members. This variant was not observed in approximately 6,500 individuals of European and African American ancestry in the NHLBI Exome Sequencing Project, indicating it is not a common benign variant in these populations. The R1859S variant is a semi-conservative amino acid substitution, which may impact secondary protein structure as these residues differ in some properties. This substitution also occurs at a position that is conserved across species. Consequently, the majority of in silico tools predict the R1859S variant is probably damaging to the protein structure/function. Therefore, based on the currently available information, it is unclear whether this variant is pathogenic or rare benign.

CHEO Genetics Diagnostic Laboratory, Children's Hospital of Eastern Ontario
Classification: Uncertain significance for Cardiomyopathy. Last evaluated: 2015-11-20. Review status: criteria provided, single submitter. Criteria: ACMG Guidelines, 2015. Collection method: clinical testing. Allele origin: germline. Study: Canadian Open Genetics Repository.

Literature cited by the submitters: PubMed 25447171 (cited by Women's Health and Genetics/Laboratory Corporation of America, LabCorp).

NM_001267550.2(TTN):c.5577G>T (p.Arg1859Ser)

Gene: TTN (titin; minus strand). Cytogenetic location: 2q31.2.
Variant type: single nucleotide variant.
Coding change: c.5577G>T on transcript NM_001267550.2 (MANE Select); coding-DNA position 5577, G replaced by T.
Protein change: p.Arg1859Ser; replaces arginine 1859 with serine.
Molecular consequence: missense variant.
Genome position (GRCh38, 1-based): chr2:178,776,287, C>A on the plus strand (G>T on the coding strand, the complement: TTN is on the minus strand). VCF-style: chr2-178776287-C-A. GRCh37 (hg19) VCF-style: chr2-179641014-C-A.
Other names: p.R1859S:AGG>AGT; c.5439G>T, p.Arg1813Ser (NM_003319.4, NM_133432.3, NM_133437.4); c.5577G>T, p.Arg1859Ser (NM_133378.4, NM_133379.5, NM_001256850.1); short protein forms R1859S, R1813S.
Identifiers: ClinVar variation 203136 (VCV000203136.12), dbSNP rs551538420, ClinGen allele CA311384.
Genomic context (GRCh38, chr2:178,776,287, plus strand): 5'-CTGTCCATTGAGGTACCAGTTGACTTTGGGCTGAGGGTAGCCTGTTACCCTGCAGCGGAA[C>A]CTTGCAGTCTCCCCTTCAAGTACTCTAACTGGCTCTGGGTACAAGACAATGTCTGGCTTT-3'
Protein context (NP_001254479.2, residues 1849-1869): PVRVLEGETA[Arg1859Ser]FRCRVTGYPQ